The following is an entry in ClinVar:

ClinVar aggregate classification (germline): Uncertain significance (1 of 4 stars; one submission).

Submission:

Women's Health and Genetics/Laboratory Corporation of America, LabCorp
Classification: Uncertain significance. Last evaluated: 2024-06-20. Review status: criteria provided, single submitter. Criteria: LabCorp Variant Classification Summary - May 2015. Collection method: clinical testing. Allele origin: germline.
Comment: Variant summary: CACNA1A c.4205A>T (p.Lys1402Ile) results in a non-conservative amino acid change located in the Ion transport domain (IPR005821) of the encoded protein sequence. Five of five in-silico tools predict a damaging effect of the variant on protein function. The frequency data for this variant in gnomAD is considered unreliable, as metrics indicate poor data quality at this position. To our knowledge, no occurrence of c.4205A>T in individuals affected with Epileptic Encephalopathy, Early Infantile, 42 and no experimental evidence demonstrating its impact on protein function have been reported. No submitters have cited clinical-significance assessments for this variant to ClinVar. Based on the evidence outlined above, the variant was classified as uncertain significance.

NM_001127222.2(CACNA1A):c.4202A>T (p.Lys1401Ile)

Genes: CACNA1A (calcium voltage-gated channel subunit alpha1 A; minus strand), LOC126862864 (MED14-independent group 3 enhancer GRCh37_chr19:13371552-13372751; plus strand). Cytogenetic location: 19p13.13.
Variant type: single nucleotide variant.
Coding change: c.4202A>T on transcript NM_001127222.2 (MANE Select); coding-DNA position 4202, A replaced by T.
Protein change: p.Lys1401Ile; replaces lysine 1401 with isoleucine.
Molecular consequence: missense variant.
Genome position (GRCh38, 1-based): chr19:13,261,498, T>A on the plus strand (A>T on the coding strand, the complement: CACNA1A is on the minus strand). VCF-style: chr19-13261498-T-A. GRCh37 (hg19) VCF-style: chr19-13372312-T-A.
Other names: c.4214A>T, p.Lys1405Ile (NM_000068.4, NM_023035.3); c.4205A>T, p.Lys1402Ile (NM_001127221.2, NM_001174080.2); short protein forms K1401I, K1402I, K1405I.
Identifiers: ClinVar variation 3339881 (VCV003339881.1).